The following is an entry in ClinVar:

ClinVar aggregate classification (germline): Uncertain significance (1 of 4 stars; one submission).

Conditions:
Juvenile polyposis syndrome (JPS). Identifiers: Orphanet 2929, MedGen C0345893, MONDO:0017380, OMIM 174900.

Submission:

Labcorp Genetics (formerly Invitae), Labcorp
Classification: Uncertain significance for Juvenile polyposis syndrome. Last evaluated: 2023-12-22. Review status: criteria provided, single submitter. Criteria: Invitae Variant Classification Sherloc (09022015). Collection method: clinical testing. Allele origin: germline.
Comment: This sequence change replaces proline, which is neutral and non-polar, with threonine, which is neutral and polar, at codon 470 of the SMAD4 protein (p.Pro470Thr). This variant is not present in population databases (gnomAD no frequency). This variant has not been reported in the literature in individuals affected with SMAD4-related conditions. Advanced modeling of protein sequence and biophysical properties (such as structural, functional, and spatial information, amino acid conservation, physicochemical variation, residue mobility, and thermodynamic stability) has been performed at Invitae for this missense variant, however the output from this modeling did not meet the statistical confidence thresholds required to predict the impact of this variant on SMAD4 protein function. In summary, the available evidence is currently insufficient to determine the role of this variant in disease. Therefore, it has been classified as a Variant of Uncertain Significance.

NM_005359.6(SMAD4):c.1408C>A (p.Pro470Thr)

Gene: SMAD4 (SMAD family member 4; plus strand). Cytogenetic location: 18q21.2.
Variant type: single nucleotide variant.
Coding change: c.1408C>A on transcript NM_005359.6 (MANE Select); coding-DNA position 1408, C replaced by A.
Protein change: p.Pro470Thr; replaces proline 470 with threonine.
Molecular consequence: missense variant. On other transcripts: non-coding transcript variant (1).
Genome position (GRCh38, 1-based): chr18:51,076,737, C>A. VCF-style: chr18-51076737-C-A. GRCh37 (hg19) VCF-style: chr18-48603107-C-A.
Other names: c.1408C>A, p.Pro470Thr (NM_001407041.1, NM_001407042.1); short protein forms P470T.
Identifiers: ClinVar variation 2994825 (VCV002994825.3), dbSNP rs2144474405, ClinGen allele CA402465315.